The following is an entry in ClinVar:

NM_002334.4(LRP4):c.2786T>G (p.Phe929Cys)

Gene: LRP4 (LDL receptor related protein 4; minus strand). Cytogenetic location: 11p11.2.
Variant type: single nucleotide variant.
Coding change: c.2786T>G on transcript NM_002334.4 (MANE Select); coding-DNA position 2786, T replaced by G.
Protein change: p.Phe929Cys; replaces phenylalanine 929 with cysteine.
Molecular consequence: missense variant.
Genome position (GRCh38, 1-based): chr11:46,881,730, A>C on the plus strand (T>G on the coding strand, the complement: LRP4 is on the minus strand). VCF-style: chr11-46881730-A-C. GRCh37 (hg19) VCF-style: chr11-46903281-A-C.
Other names: short protein forms F929C.
Identifiers: ClinVar variation 2201323 (VCV002201323.4), dbSNP rs1478018191, ClinGen allele CA380278549.

ClinVar aggregate classification (germline): Uncertain significance (1 of 4 stars; one submission).

Conditions:
Cenani-Lenz syndactyly syndrome. Also called: SYNDACTYLY, TYPE VII; CENANI SYNDACTYLISM. Identifiers: Orphanet 3258, MedGen C1859309, MONDO:0008931, OMIM 212780.
Sclerosteosis 2 (SOST2). Identifiers: Orphanet 3152, MedGen C3280402, MONDO:0013679, OMIM 614305.
Congenital myasthenic syndrome 17. Identifiers: Orphanet 590, MedGen C4225377, MONDO:0014578, OMIM 616304.

Allele frequency attached by ClinVar (database versions not stated): gnomAD 0.00001; TOPMed 0.00001.
gnomAD v4.1: 2 of 1,612,480 alleles (0.00012%); highest among the groups gnomAD compares: African/African-American, 0.0027%; no homozygotes.

Submission:

Labcorp Genetics (formerly Invitae), Labcorp
Classification: Uncertain significance for Cenani-Lenz syndactyly syndrome; Sclerosteosis 2; Congenital myasthenic syndrome 17. Last evaluated: 2024-10-18. Review status: criteria provided, single submitter. Criteria: Invitae Variant Classification Sherloc (09022015). Collection method: clinical testing. Allele origin: germline.
Comment: This sequence change replaces phenylalanine, which is neutral and non-polar, with cysteine, which is neutral and slightly polar, at codon 929 of the LRP4 protein (p.Phe929Cys). This variant is present in population databases (no rsID available, gnomAD 0.02%). This variant has not been reported in the literature in individuals affected with LRP4-related conditions. ClinVar contains an entry for this variant (Variation ID: 2201323). Invitae Evidence Modeling of protein sequence and biophysical properties (such as structural, functional, and spatial information, amino acid conservation, physicochemical variation, residue mobility, and thermodynamic stability) indicates that this missense variant is not expected to disrupt LRP4 protein function with a negative predictive value of 80%. In summary, the available evidence is currently insufficient to determine the role of this variant in disease. Therefore, it has been classified as a Variant of Uncertain Significance.